The following is an entry in ClinVar:

NM_002474.3(MYH11):c.2655G>A (p.Leu885=)

Gene: MYH11 (myosin heavy chain 11; minus strand). Cytogenetic location: 16p13.11.
Variant type: single nucleotide variant.
Coding change: c.2655G>A on transcript NM_002474.3 (MANE Select); coding-DNA position 2655, G replaced by A.
Protein change: p.Leu885=; no amino-acid change (leucine 885 retained).
Molecular consequence: synonymous variant.
Genome position (GRCh38, 1-based): chr16:15,741,667, C>T on the plus strand (G>A on the coding strand, the complement: MYH11 is on the minus strand). VCF-style: chr16-15741667-C-T. GRCh37 (hg19) VCF-style: chr16-15835524-C-T.
Other names: c.2676G>A, p.Leu892= (NM_001040113.2, NM_001040114.2); c.2655G>A, p.Leu885= (NM_022844.3).
Identifiers: ClinVar variation 926500 (VCV000926500.13), dbSNP rs760141485, ClinGen allele CA7922188.

ClinVar aggregate classification (germline): Likely benign. Review status: criteria provided, multiple submitters, no conflicts (2 of 4 stars). 4 submissions from 4 submitters: Likely benign (4). Last evaluated 2025-08-21.

Conditions:
Aortic aneurysm, familial thoracic 4 (AAT4). Also called: AORTIC ANEURYSM/AORTIC DISSECTION AND PATENT DUCTUS ARTERIOSUS. Identifiers: MedGen C1851504, MONDO:0007568, OMIM 132900.
Familial thoracic aortic aneurysm and aortic dissection (TAAD). Also called: Thoracic aortic aneurysms and dissections. Identifiers: Orphanet 91387, MedGen C4707243, MONDO:0019625.

Allele frequency attached by ClinVar (database versions not stated): gnomAD exomes below 0.00001 and 0.00001; ExAC 0.00002.
gnomAD v4.1: 9 of 1,613,892 alleles (0.00056%); highest among the groups gnomAD compares: South Asian, 0.0033%; no homozygotes.

Submissions (4):

Labcorp Genetics (formerly Invitae), Labcorp
Classification: Likely benign for Aortic aneurysm, familial thoracic 4. Last evaluated: 2025-08-21. Review status: criteria provided, single submitter. Criteria: Invitae Variant Classification Sherloc (09022015). Collection method: clinical testing. Allele origin: germline.

All of Us Research Program, National Institutes of Health
Classification: Likely benign for Familial thoracic aortic aneurysm and aortic dissection. Last evaluated: 2023-11-20. Review status: criteria provided, single submitter. Criteria: ACMG Guidelines, 2015. Collection method: clinical testing. Allele origin: germline. Inheritance: Autosomal dominant inheritance. Observed: 2 variant alleles, 2 heterozygotes.
Comment: This study involves interpretation of variants in research participants for the purpose of population health screening. Participant phenotype was not available at the time of variant classification. Additional details can be found in publication PMID: 35346344, PMCID: PMC8962531

CHEO Genetics Diagnostic Laboratory, Children's Hospital of Eastern Ontario
Classification: Likely benign for Familial thoracic aortic aneurysm and aortic dissection. Last evaluated: 2021-06-24. Review status: criteria provided, single submitter. Criteria: ACMG Guidelines, 2015. Collection method: clinical testing. Allele origin: germline.

Color Diagnostics, LLC DBA Color Health
Classification: Likely benign for Familial thoracic aortic aneurysm and aortic dissection. Last evaluated: 2020-01-29. Review status: criteria provided, single submitter. Criteria: ACMG Guidelines, 2015. Collection method: clinical testing. Allele origin: germline.